The following is an entry in ClinVar:

ClinVar aggregate classification (germline): Uncertain significance (1 of 4 stars; one submission).

Conditions:
Charcot-Marie-Tooth disease, type I (CMT1). Also called: Charcot-Marie-Tooth, Type 1; Charcot-Marie-Tooth disease type 1. Identifiers: Orphanet 65753, MedGen C0751036, MONDO:0019011.

Allele frequency attached by ClinVar (database versions not stated): 1000 Genomes Project 30x 0.00016; 1000 Genomes Project 0.00020.
gnomAD v4.1: 3 of 1,614,068 alleles (0.00019%); highest among the groups gnomAD compares: East Asian, 0.0067%; no homozygotes.

Submission:

Labcorp Genetics (formerly Invitae), Labcorp
Classification: Uncertain significance for Charcot-Marie-Tooth disease, type I. Last evaluated: 2022-08-03. Review status: criteria provided, single submitter. Criteria: Invitae Variant Classification Sherloc (09022015). Collection method: clinical testing. Allele origin: germline.
Comment: In summary, the available evidence is currently insufficient to determine the role of this variant in disease. Therefore, it has been classified as a Variant of Uncertain Significance. Algorithms developed to predict the effect of missense changes on protein structure and function (SIFT, PolyPhen-2, Align-GVGD) all suggest that this variant is likely to be disruptive. This variant has not been reported in the literature in individuals affected with PMP22-related conditions. This variant is present in population databases (rs576618192, gnomAD 0.005%). This sequence change replaces tryptophan, which is neutral and slightly polar, with arginine, which is basic and polar, at codon 124 of the PMP22 protein (p.Trp124Arg).

NM_000304.4(PMP22):c.370T>C (p.Trp124Arg)

Gene: PMP22 (peripheral myelin protein 22; minus strand). Cytogenetic location: 17p12.
Variant type: single nucleotide variant.
Coding change: c.370T>C on transcript NM_000304.4 (MANE Select); coding-DNA position 370, T replaced by C.
Protein change: p.Trp124Arg; replaces tryptophan 124 with arginine.
Molecular consequence: missense variant. On other transcripts: non-coding transcript variant (2).
Genome position (GRCh38, 1-based): chr17:15,231,030, A>G on the plus strand (T>C on the coding strand, the complement: PMP22 is on the minus strand). VCF-style: chr17-15231030-A-G. GRCh37 (hg19) VCF-style: chr17-15134347-A-G.
Other names: c.370T>C, p.Trp124Arg (NM_001281455.2, NM_001281456.2, NM_153321.3 and 1 more transcripts); short protein forms W124R.
Identifiers: ClinVar variation 2045631 (VCV002045631.4), dbSNP rs576618192, ClinGen allele CA288864492.